The following is an entry in ClinVar:

NM_016203.4(PRKAG2):c.665A>C (p.His222Pro)

Gene: PRKAG2 (protein kinase AMP-activated non-catalytic subunit gamma 2; minus strand). Cytogenetic location: 7q36.1.
Variant type: single nucleotide variant.
Coding change: c.665A>C on transcript NM_016203.4 (MANE Select); coding-DNA position 665, A replaced by C.
Protein change: p.His222Pro; replaces histidine 222 with proline.
Molecular consequence: missense variant. On other transcripts: intron variant (5).
Genome position (GRCh38, 1-based): chr7:151,675,439, T>G on the plus strand (A>C on the coding strand, the complement: PRKAG2 is on the minus strand). VCF-style: chr7-151675439-T-G. GRCh37 (hg19) VCF-style: chr7-151372525-T-G.
Other names: c.533A>C, p.His178Pro (NM_001040633.2, NM_001407024.1, NM_001407026.1 and 1 more transcripts); c.293A>C, p.His98Pro (NM_001304527.2, NM_001363698.2, NM_001407028.1 and 1 more transcripts); c.665A>C, p.His222Pro (NM_001407021.1, NM_001407022.1, NM_001407023.1); c.347A>C, p.His116Pro (NM_001407032.1); c.467-79988A>C (NM_001407031.1); c.467-79985A>C (NM_001407030.1); c.361-43301A>C (NM_001407033.1); c.94+60461A>C (NM_001407037.1); and 1 more; short protein forms H116P, H178P, H222P, H98P.
Identifiers: ClinVar variation 3626414 (VCV003626414.3).

ClinVar aggregate classification (germline): Uncertain significance. Review status: criteria provided, multiple submitters, no conflicts (2 of 4 stars). 2 submissions from 2 submitters: Uncertain significance (2). Last evaluated 2024-11-29.

Conditions:
Lethal congenital glycogen storage disease of heart. Also called: GLYCOGEN STORAGE DISEASE OF HEART; PHOSPHORYLASE KINASE DEFICIENCY OF HEART. Identifiers: Orphanet 439854, MedGen C1849813, MONDO:0009867, OMIM 261740.

gnomAD v4.1: 3 of 1,613,826 alleles (0.00019%); highest among the groups gnomAD compares: Admixed American, 0.0033%; no homozygotes.

Submissions (2):

Women's Health and Genetics/Laboratory Corporation of America, LabCorp
Classification: Uncertain significance. Last evaluated: 2024-11-29. Review status: criteria provided, single submitter. Criteria: LabCorp Variant Classification Summary - May 2015. Collection method: clinical testing. Allele origin: germline.
Comment: Variant summary: PRKAG2 c.665A>C (p.His222Pro) results in a non-conservative amino acid change in the encoded protein sequence. Four of five in-silico tools predict a benign effect of the variant on protein function. The variant allele was found at a frequency of 4e-06 in 251096 control chromosomes. The available data on variant occurrences in the general population are insufficient to allow any conclusion about variant significance. To our knowledge, no occurrence of c.665A>C in individuals affected with Cardiomyopathy and no experimental evidence demonstrating its impact on protein function have been reported. No submitters have cited clinical-significance assessments for this variant to ClinVar. Based on the evidence outlined above, the variant was classified as uncertain significance.

Labcorp Genetics (formerly Invitae), Labcorp
Classification: Uncertain significance for Lethal congenital glycogen storage disease of heart. Last evaluated: 2024-10-29. Review status: criteria provided, single submitter. Criteria: Invitae Variant Classification Sherloc (09022015). Collection method: clinical testing. Allele origin: germline.
Comment: This sequence change replaces histidine, which is basic and polar, with proline, which is neutral and non-polar, at codon 222 of the PRKAG2 protein (p.His222Pro). This variant is present in population databases (no rsID available, gnomAD 0.003%). This variant has not been reported in the literature in individuals affected with PRKAG2-related conditions. Invitae Evidence Modeling of protein sequence and biophysical properties (such as structural, functional, and spatial information, amino acid conservation, physicochemical variation, residue mobility, and thermodynamic stability) indicates that this missense variant is not expected to disrupt PRKAG2 protein function with a negative predictive value of 95%. In summary, the available evidence is currently insufficient to determine the role of this variant in disease. Therefore, it has been classified as a Variant of Uncertain Significance.